The following is an entry in ClinVar:

NM_015089.4(CUL9):c.6513C>G (p.Cys2171Trp)

Gene: CUL9 (cullin 9; plus strand). Cytogenetic location: 6p21.1.
Variant type: single nucleotide variant.
Coding change: c.6513C>G on transcript NM_015089.4 (MANE Select); coding-DNA position 6513, C replaced by G.
Protein change: p.Cys2171Trp; replaces cysteine 2171 with tryptophan.
Molecular consequence: missense variant.
Genome position (GRCh38, 1-based): chr6:43,220,836, C>G. VCF-style: chr6-43220836-C-G. GRCh37 (hg19) VCF-style: chr6-43188574-C-G.
Other names: short protein forms C2171W.
Identifiers: ClinVar variation 2636984 (VCV002636984.1), dbSNP rs2533919396, ClinGen allele CA364176639.

ClinVar aggregate classification (germline): Uncertain significance (1 of 4 stars; one submission).

Conditions:
CUL9-related disorder. Also called: CUL9-related condition.

Allele frequency attached by ClinVar (database versions not stated): gnomAD exomes below 0.00001.
gnomAD v4.1: 1 of 1,613,672 alleles (0.000062%); highest among the groups gnomAD compares: Non-Finnish European, 0.000085%; no homozygotes.

Submission:

PreventionGenetics, part of Exact Sciences
Classification: Uncertain significance for CUL9-related condition. Last evaluated: 2022-10-18. Review status: criteria provided, single submitter. Criteria: ACMG Guidelines, 2015. Collection method: clinical testing. Allele origin: germline.
Comment: The CUL9 c.6513C>G variant is predicted to result in the amino acid substitution p.Cys2171Trp. To our knowledge, this variant has not been reported in the literature or in a large population database, indicating this variant is rare. At this time, the clinical significance of this variant is uncertain due to the absence of conclusive functional and genetic evidence.